The following is an entry in ClinVar:

ClinVar aggregate classification (germline): Uncertain significance (1 of 4 stars; one submission).

Submission:

Women's Health and Genetics/Laboratory Corporation of America, LabCorp
Classification: Uncertain significance. Last evaluated: 2026-06-04. Review status: criteria provided, single submitter. Criteria: LabCorp Variant Classification Summary - May 2015. Collection method: clinical testing. Allele origin: germline.
Comment: Variant summary: RNPC3 c.1547A>G (p.Lys516Arg) results in a conservative amino acid change in the encoded protein sequence. Algorithms developed to predict the effect of missense changes on protein structure and function are either unavailable or do not agree on the potential impact of this missense change. The variant was absent in 145588 control chromosomes. The available data on variant occurrences in the general population are insufficient to allow any conclusion about variant significance. To our knowledge, no occurrence of c.1547A>G in individuals affected with RNPC3-related conditions and no experimental evidence demonstrating its impact on protein function have been reported. No submitters have cited clinical-significance assessments for this variant to ClinVar. Based on the evidence outlined above, the variant was classified as uncertain significance.

NM_017619.4(RNPC3):c.1547A>G (p.Lys516Arg)

Gene: RNPC3 (RNA binding region (RNP1, RRM) containing 3; plus strand). Cytogenetic location: 1p21.1.
Variant type: single nucleotide variant.
Coding change: c.1547A>G on transcript NM_017619.4 (MANE Select); coding-DNA position 1547, A replaced by G.
Protein change: p.Lys516Arg; replaces lysine 516 with arginine.
Molecular consequence: missense variant.
Genome position (GRCh38, 1-based): chr1:103,551,773, A>G. VCF-style: chr1-103551773-A-G. GRCh37 (hg19) VCF-style: chr1-104094395-A-G.
Other names: short protein forms K516R.
Identifiers: ClinVar variation 4887508 (VCV004887508.1).